The following is an entry in ClinVar:

NM_000843.4(GRM6):c.2213_2221del (p.Ala738_Gly740del)

Genes: GRM6 (glutamate metabotropic receptor 6; minus strand), ZNF454 (zinc finger protein 454; plus strand). Cytogenetic location: 5q35.3.
Variant type: Deletion.
Coding change: c.2213_2221del on transcript NM_000843.4 (MANE Select); coding-DNA positions 2213 to 2221, 9 bases deleted (CCAGAGGGG; older notation c.2213_2221delCCAGAGGGG).
Protein change: p.Ala738_Gly740del.
Molecular consequence: inframe deletion.
Genome position (GRCh38, 1-based): chr5:178,983,125-178,983,133, CCCCTCTGG deleted on the plus strand (CCAGAGGGG on the coding strand, the reverse complement: GRM6 is on the minus strand); deleting any 9 consecutive bases within chr5:178,983,125-178,983,135 gives the same sequence; the c. name uses the placement nearest the transcript's 3' end. VCF-style (leftmost placement, unchanged base first): chr5-178983124-ACCCCTCTGG-A. GRCh37 (hg19) VCF-style: chr5-178410125-ACCCCTCTGG-A.
Identifiers: ClinVar variation 2092430 (VCV002092430.4), dbSNP rs745752439, ClinGen allele CA3593598.
Genomic context (GRCh38, chr5:178,983,124, plus strand): 5'-AGCAGGAGGCTGTAGCCCAGGCAGCCGATGAGAGACAGATCCGACATGTCGCACTTGAGC[ACCCCTCTGG>A]CCTGCTCGGGGTCCACCGTCCGCTGTTCCTCATAGTCAATCACGCTGTGTGGGGGCCGGG-3'

ClinVar aggregate classification (germline): Uncertain significance (1 of 4 stars; one submission).

Submission:

Labcorp Genetics (formerly Invitae), Labcorp
Classification: Uncertain significance. Last evaluated: 2024-01-24. Review status: criteria provided, single submitter. Criteria: Invitae Variant Classification Sherloc (09022015). Collection method: clinical testing. Allele origin: germline.
Comment: This variant, c.2213_2221del, results in the deletion of 3 amino acid(s) of the GRM6 protein (p.Ala738_Gly740del), but otherwise preserves the integrity of the reading frame. This variant is present in population databases (rs745752439, gnomAD 0.007%). This variant has not been reported in the literature in individuals affected with GRM6-related conditions. ClinVar contains an entry for this variant (Variation ID: 2092430). Experimental studies and prediction algorithms are not available or were not evaluated, and the functional significance of this variant is currently unknown. In summary, the available evidence is currently insufficient to determine the role of this variant in disease. Therefore, it has been classified as a Variant of Uncertain Significance.